The following is an entry in ClinVar:

ClinVar aggregate classification (germline): Likely pathogenic (1 of 4 stars; one submission).

Allele frequency attached by ClinVar (database versions not stated): ESP Exome Variant Server 0.00031; ExAC 0.00047; 1000 Genomes Project 0.00040.

Submission:

Mani Lab, Yale Cardiovascular Research Center, Yale University
Classification: Likely pathogenic. Last evaluated: 2021-06-03. Review status: criteria provided, single submitter. Criteria: ACMG Guidelines, 2015. Collection method: research. Allele origin: germline. Affected: yes. Observed: 2 variant alleles.

NM_001395426.1(PDE4DIP):c.4630A>G (p.Ile1544Val)

Gene: PDE4DIP (phosphodiesterase 4D interacting protein; plus strand). Cytogenetic location: 1q21.2.
Variant type: single nucleotide variant.
Coding change: c.4630A>G on transcript NM_001395426.1 (MANE Select); coding-DNA position 4630, A replaced by G.
Protein change: p.Ile1544Val; replaces isoleucine 1544 with valine.
Molecular consequence: missense variant.
Genome position (GRCh38, 1-based): chr1:149,007,217, A>G. VCF-style: chr1-149007217-A-G. GRCh37 (hg19) VCF-style: chr1-144877255-T-C.
Other names: c.4300A>G, p.Ile1434Val (NM_001198832.4, NM_001377393.2, NM_001395306.1 and 1 more transcripts); c.4432A>G, p.Ile1478Val (NM_001198834.5, NM_014644.7); c.4918A>G, p.Ile1640Val (NM_001350520.2, NM_001395299.1, NM_001395301.1); c.4843A>G, p.Ile1615Val (NM_001350521.4, NM_001377392.2); c.4630A>G, p.Ile1544Val (NM_001350522.3, NM_001395304.1, NM_001395305.1 and 1 more transcripts); c.4297A>G, p.Ile1433Val (NM_001350523.3, NM_001395312.1, NM_001395314.1); c.4921A>G, p.Ile1641Val (NM_001395297.1); c.4840A>G, p.Ile1614Val (NM_001395298.1); and 6 more; short protein forms I1433V, I1434V, I1478V, I1544V, I1615V, I1640V, I1504V, I1507V.
Identifiers: ClinVar variation 1174537 (VCV001174537.4), dbSNP rs148523430, ClinGen allele CA1045904.